The following is an entry in ClinVar:

NM_002658.6(PLAU):c.721C>A (p.Arg241Ser)

Genes: C10orf55 (chromosome 10 putative open reading frame 55; minus strand), PLAU (plasminogen activator, urokinase; plus strand), LOC126860960 (BRD4-independent group 4 enhancer GRCh37_chr10:75672789-75673988; plus strand). Cytogenetic location: 10q22.2.
Variant type: single nucleotide variant.
Coding change: c.721C>A on transcript NM_002658.6 (MANE Select); coding-DNA position 721, C replaced by A.
Protein change: p.Arg241Ser; replaces arginine 241 with serine.
Molecular consequence: missense variant.
Genome position (GRCh38, 1-based): chr10:73,914,020, C>A. VCF-style: chr10-73914020-C-A. GRCh37 (hg19) VCF-style: chr10-75673778-C-A.
Other names: c.721C>A, p.Arg241Ser (NM_001441157.1, NM_001441160.1, NM_001441154.1 and 2 more transcripts); c.463C>A, p.Arg155Ser (NM_001441158.1, NM_001441159.1, NM_001319191.2); c.670C>A, p.Arg224Ser (NM_001145031.3); short protein forms R155S, R224S, R241S.
Identifiers: ClinVar variation 4849014 (VCV004849014.1).
Genomic context (GRCh38, chr10:73,914,020, plus strand): 5'-ATGGGTATCTTCTCCCACAGTGATTACCCAAAGAAGGAGGACTACATCGTCTACCTGGGT[C>A]GCTCAAGGCTTAACTCCAACACGCAAGGGGAGATGAAGTTTGAGGTGGAAAACCTCATCC-3'
Protein context (NP_002649.2, residues 231-251): KKEDYIVYLG[Arg241Ser]SRLNSNTQGE

ClinVar aggregate classification (germline): Uncertain significance (1 of 4 stars; one submission).

gnomAD v4.1: 17 of 1,613,700 alleles (0.0011%); highest among the groups gnomAD compares: South Asian, 0.019%; 1 homozygote.

Submission:

Women's Health and Genetics/Laboratory Corporation of America, LabCorp
Classification: Uncertain significance. Last evaluated: 2026-04-27. Review status: criteria provided, single submitter. Criteria: LabCorp Variant Classification Summary - May 2015. Collection method: clinical testing. Allele origin: germline.
Comment: Variant summary: PLAU c.721C>A (p.Arg241Ser) results in a non-conservative amino acid change in the encoded protein sequence. Algorithms developed to predict the effect of missense changes on protein structure and function are either unavailable or do not agree on the potential impact of this missense change. The variant allele was found at a frequency of 1.2e-05 in 251448 control chromosomes. The available data on variant occurrences in the general population are insufficient to allow any conclusion about variant significance. To our knowledge, no occurrence of c.721C>A in individuals affected with PLAU-related conditions and no experimental evidence demonstrating its impact on protein function have been reported. No submitters have cited clinical-significance assessments for this variant to ClinVar. Based on the evidence outlined above, the variant was classified as uncertain significance.